The following is an entry in ClinVar:

ClinVar aggregate classification (germline): Uncertain significance (1 of 4 stars; one submission).

Conditions:
Spastic paraplegia. Identifiers: MedGen C0037772, HP:0001258.

Submission:

Labcorp Genetics (formerly Invitae), Labcorp
Classification: Uncertain significance for Spastic paraplegia. Last evaluated: 2025-06-29. Review status: criteria provided, single submitter. Criteria: Invitae Variant Classification Sherloc (09022015). Collection method: clinical testing. Allele origin: germline.
Comment: This sequence change replaces proline, which is neutral and non-polar, with arginine, which is basic and polar, at codon 1335 of the KDM5C protein (p.Pro1335Arg). This variant is not present in population databases (gnomAD no frequency). This variant has not been reported in the literature in individuals affected with KDM5C-related conditions. Invitae Evidence Modeling of protein sequence and biophysical properties (such as structural, functional, and spatial information, amino acid conservation, physicochemical variation, residue mobility, and thermodynamic stability) indicates that this missense variant is not expected to disrupt KDM5C protein function with a negative predictive value of 95%. In summary, the available evidence is currently insufficient to determine the role of this variant in disease. Therefore, it has been classified as a Variant of Uncertain Significance.

NM_004187.5(KDM5C):c.4004C>G (p.Pro1335Arg)

Gene: KDM5C (lysine demethylase 5C; minus strand). Cytogenetic location: Xp11.22.
Variant type: single nucleotide variant.
Coding change: c.4004C>G on transcript NM_004187.5 (MANE Select); coding-DNA position 4004, C replaced by G.
Protein change: p.Pro1335Arg; replaces proline 1335 with arginine.
Molecular consequence: missense variant. On other transcripts: non-coding transcript variant (3).
Genome position (GRCh38, 1-based): chrX:53,194,173, G>C on the plus strand (C>G on the coding strand, the complement: KDM5C is on the minus strand). VCF-style: chrX-53194173-G-C. GRCh37 (hg19) VCF-style: chrX-53223355-G-C.
Other names: c.3803C>G, p.Pro1268Arg (NM_001146702.2); c.4001C>G, p.Pro1334Arg (NM_001282622.3, NM_001353979.2, NM_001353982.2); c.4004C>G, p.Pro1335Arg (NM_001353978.3, NM_001353981.2, NM_001353984.2); short protein forms P1268R, P1334R, P1335R.
Identifiers: ClinVar variation 4801009 (VCV004801009.1).
Genomic context (GRCh38, chrX:53,194,173, plus strand): 5'-GACAAGAGCTGGGCTGAGTAGCTCACCTTAGGCATATCCTTGCCACTGCCCTCTCTGAGG[G>C]GGTCAGAAGCAGGGGCTGCAGGGTAGTTAGGAGGCTCCTCAGGTCTAGGTTCAGCCTGTA-3'
Protein context (NP_004178.2, residues 1325-1345): PNYPAAPASD[Pro1335Arg]LREGSGKDMP